The following is an entry in ClinVar:

NM_172250.3(MMAA):c.947G>A (p.Arg316His)

Gene: MMAA (metabolism of cobalamin associated A; plus strand). Cytogenetic location: 4q31.21.
Variant type: single nucleotide variant.
Coding change: c.947G>A on transcript NM_172250.3 (MANE Select); coding-DNA position 947, G replaced by A.
Protein change: p.Arg316His; replaces arginine 316 with histidine.
Molecular consequence: missense variant.
Genome position (GRCh38, 1-based): chr4:145,654,121, G>A. VCF-style: chr4-145654121-G-A. GRCh37 (hg19) VCF-style: chr4-146575273-G-A.
Other names: c.947G>A, p.Arg316His (NM_001375644.1); short protein forms R316H.
Identifiers: ClinVar variation 969315 (VCV000969315.6), dbSNP rs377228966, ClinGen allele CA3095315.

ClinVar aggregate classification (germline): Uncertain significance. Review status: criteria provided, single submitter (1 of 4 stars). 2 submissions from 2 submitters: Uncertain significance (1). 1 of the submissions does not count toward it. Last evaluated 2022-06-13.

Conditions:
Methylmalonic aciduria, cblA type (MACA). Also called: Methylmalonic aciduria, vitamin B12-responsive; Vitamin B12-responsive methylmalonic acidemia type cblA; Methylmalonic aciduria, vitamin b12-responsive, due to defect in synthesis of adenosylcobalamin, cbla complementation type; MMA cbl A type; Methylmalonic acidemia cblA type. Identifiers: Orphanet 28, Orphanet 79310, MedGen C1855109, MONDO:0009613, OMIM 251100.

Allele frequency attached by ClinVar (database versions not stated): ExAC 0.00003; gnomAD exomes 0.00003 and 0.00008; gnomAD 0.00005 and 0.00006; ESP Exome Variant Server 0.00008; TOPMed 0.00009.
gnomAD v4.1: 126 of 1,613,952 alleles (0.0078%); highest among the groups gnomAD compares: African/African-American, 0.012%; no homozygotes.

Submissions (2):

Labcorp Genetics (formerly Invitae), Labcorp
Classification: Uncertain significance for Methylmalonic aciduria, cblA type. Last evaluated: 2022-06-13. Review status: criteria provided, single submitter. Criteria: Invitae Variant Classification Sherloc (09022015). Collection method: clinical testing. Allele origin: germline.
Comment: This sequence change replaces arginine, which is basic and polar, with histidine, which is basic and polar, at codon 316 of the MMAA protein (p.Arg316His). This variant is present in population databases (rs377228966, gnomAD 0.007%). This variant has not been reported in the literature in individuals affected with MMAA-related conditions. ClinVar contains an entry for this variant (Variation ID: 969315). Advanced modeling of protein sequence and biophysical properties (such as structural, functional, and spatial information, amino acid conservation, physicochemical variation, residue mobility, and thermodynamic stability) performed at Invitae indicates that this missense variant is expected to disrupt MMAA protein function. In summary, the available evidence is currently insufficient to determine the role of this variant in disease. Therefore, it has been classified as a Variant of Uncertain Significance.

Natera, Inc.
Classification: Uncertain significance for Methylmalonic aciduria cblA type. Last evaluated: 2020-03-14. Review status: no assertion criteria provided. Collection method: clinical testing. Allele origin: germline. Not counted in ClinVar's aggregate classification.